The following is an entry in ClinVar:

ClinVar aggregate classification (germline): Uncertain significance (1 of 4 stars; one submission).

Conditions:
Cardiomyopathy (CMYO). Also called: Cardiomyopathies. Identifiers: Orphanet 167848, MedGen C0878544, MONDO:0004994, HP:0001638. Inheritance: Various modes of inheritance.

Submission:

Color Diagnostics, LLC DBA Color Health
Classification: Uncertain significance for Cardiomyopathy. Last evaluated: 2024-03-06. Review status: criteria provided, single submitter. Criteria: ACMG Guidelines, 2015. Collection method: clinical testing. Allele origin: germline.
Comment: This missense variant replaces serine with threonine at codon 9 of the TMEM43 protein. Computational prediction suggests that this variant may not impact protein structure and function (internally defined REVEL score threshold <= 0.5, PMID: 27666373). To our knowledge, functional studies have not been reported for this variant. This variant has not been reported in individuals affected with cardiovascular disorders in the literature. This variant has not been identified in the general population by the Genome Aggregation Database (gnomAD). The available evidence is insufficient to determine the role of this variant in disease conclusively. Therefore, this variant is classified as a Variant of Uncertain Significance.

NM_024334.3(TMEM43):c.26G>C (p.Ser9Thr)

Gene: TMEM43 (transmembrane protein 43; plus strand). Cytogenetic location: 3p25.1.
Variant type: single nucleotide variant.
Coding change: c.26G>C on transcript NM_024334.3 (MANE Select); coding-DNA position 26, G replaced by C.
Protein change: p.Ser9Thr; replaces serine 9 with threonine.
Molecular consequence: missense variant.
Genome position (GRCh38, 1-based): chr3:14,129,425, G>C. VCF-style: chr3-14129425-G-C. GRCh37 (hg19) VCF-style: chr3-14170925-G-C.
Other names: short protein forms S9T.
Identifiers: ClinVar variation 1171291 (VCV001171291.3), dbSNP rs1695062743, ClinGen allele CA351534183.